The following is an entry in ClinVar:

NM_001379451.1(BCORL1):c.2984_2985delinsCT (p.Leu995Pro)

Gene: BCORL1 (BCL6 corepressor like 1; plus strand). Cytogenetic location: Xq26.1.
Variant type: Indel.
Coding change: c.2984_2985delinsCT on transcript NM_001379451.1 (MANE Select); coding-DNA positions 2984 to 2985, TG replaced by CT.
Protein change: p.Leu995Pro; replaces leucine 995 with proline.
Molecular consequence: missense variant.
Genome position (GRCh38, 1-based): chrX:130,015,756-130,015,757, TG replaced by CT. VCF-style: chrX-130015756-TG-CT. GRCh37 (hg19) VCF-style: chrX-129149732-TG-CT.
Other names: c.2984_2985delinsCT, p.Leu995Pro (NM_001184772.3, NM_001379450.1, NM_021946.5); c.2984_2985delTGinsCT, p.Leu995Pro (NM_021946.4); short protein forms L995P.
Identifiers: ClinVar variation 3393837 (VCV003393837.1).
Genomic context (GRCh38, chrX:130,015,756, plus strand): 5'-AGCTGGCAGGAGACACGAAGCCTAAGAACCAAGTGCTGGCCACCTACATGTCCCATGAGC[TG>CT]GTCCTGGCCACCCCCCAGAACCTGCCTAAGATGCCTGAGCTGCCTTTGCTACCTCACGAC-3'
Protein context (NP_001366380.1, residues 985-1005): QVLATYMSHE[Leu995Pro]VLATPQNLPK

ClinVar aggregate classification (germline): Uncertain significance (1 of 4 stars; one submission).

Submission:

GeneDx
Classification: Uncertain significance. Last evaluated: 2024-07-03. Review status: criteria provided, single submitter. Criteria: GeneDx Variant Classification Process June 2021. Collection method: clinical testing. Allele origin: germline. Affected: yes.
Comment: In silico analysis supports a deleterious effect on protein structure/function; Has not been previously published as pathogenic or benign to our knowledge